The following is an entry in ClinVar:

NM_017654.4(SAMD9):c.3962C>G (p.Ser1321Ter)

Gene: SAMD9 (sterile alpha motif domain containing 9; minus strand). Cytogenetic location: 7q21.2.
Variant type: single nucleotide variant.
Coding change: c.3962C>G on transcript NM_017654.4 (MANE Select); coding-DNA position 3962, C replaced by G.
Protein change: p.Ser1321Ter; replaces serine 1321 with a stop codon.
Molecular consequence: nonsense.
Genome position (GRCh38, 1-based): chr7:93,102,136, G>C on the plus strand (C>G on the coding strand, the complement: SAMD9 is on the minus strand). VCF-style: chr7-93102136-G-C. GRCh37 (hg19) VCF-style: chr7-92731449-G-C.
Other names: c.3962C>G, p.Ser1321Ter (NM_001193307.2); short protein forms S1321*.
Identifiers: ClinVar variation 3649966 (VCV003649966.2).
Genomic context (GRCh38, chr7:93,102,136, plus strand): 5'-GCTTTTAAAGCTACTAGGTTTCTCCTGCATCTCTCTACTTGAAGTGGCTCACTGAACTTT[G>C]ATCCAAGACCTGTGTTGTTTTGTGATTCTTCTAAGAGACAAAATATATCTACATATTTCT-3'

ClinVar aggregate classification (germline): Uncertain significance (1 of 4 stars; one submission).

Submission:

Labcorp Genetics (formerly Invitae), Labcorp
Classification: Uncertain significance. Last evaluated: 2024-04-25. Review status: criteria provided, single submitter. Criteria: Invitae Variant Classification Sherloc (09022015). Collection method: clinical testing. Allele origin: germline.
Comment: This sequence change creates a premature translational stop signal (p.Ser1321*) in the SAMD9 gene. While this is not anticipated to result in nonsense mediated decay, it is expected to disrupt the last 269 amino acid(s) of the SAMD9 protein. This variant is not present in population databases (gnomAD no frequency). This variant has not been reported in the literature in individuals affected with SAMD9-related conditions. In summary, the available evidence is currently insufficient to determine the role of this variant in disease. Therefore, it has been classified as a Variant of Uncertain Significance.